The following is an entry in ClinVar:

ClinVar aggregate classification (germline): Uncertain significance. Review status: criteria provided, multiple submitters, no conflicts (2 of 4 stars). 4 submissions from 4 submitters: Uncertain significance (3). 1 of the submissions does not count toward it. Last evaluated 2026-02-09.

Conditions:
IFT172-related disorder. Also called: IFT172-related disorders; IFT172-related condition.
Retinal dystrophy. Also called: Inherited retinal dystrophy. Identifiers: Orphanet 71862, MedGen C0854723, MeSH D058499, MONDO:0019118, HP:0000556.
Short-rib thoracic dysplasia 10 with or without polydactyly (SRTD10). Identifiers: Orphanet 474, MedGen C3810175, MONDO:0014284, OMIM 615630.
Retinitis pigmentosa 71 (RP71). Identifiers: Orphanet 791, MedGen C4225342, MONDO:0014618, OMIM 616394.
Inborn genetic diseases. Identifiers: MedGen C0950123, MeSH D030342.

gnomAD v4.1: 14 of 1,613,768 alleles (0.00087%); highest among the groups gnomAD compares: South Asian, 0.0033%; no homozygotes.

Submissions (4):

PreventionGenetics, part of Exact Sciences
Classification: Uncertain significance for IFT172-related condition. Last evaluated: 2026-02-09. Review status: criteria provided, single submitter. Criteria: ACMG Guidelines, 2015. Collection method: clinical testing. Allele origin: germline.
Comment: The IFT172 c.898C>T variant is predicted to result in the amino acid substitution p.Arg300Trp. To our knowledge, this variant has not been reported in the literature. This variant is reported in 0.0054% of alleles in individuals of East Asian descent in gnomAD. At this time, the clinical significance of this variant is uncertain due to the absence of conclusive functional and genetic evidence.

Ambry Genetics
Classification: Uncertain significance for Inborn genetic diseases. Last evaluated: 2025-08-31. Review status: criteria provided, single submitter. Criteria: Ambry Variant Classification Scheme 2023. Collection method: clinical testing. Allele origin: germline.

Labcorp Genetics (formerly Invitae), Labcorp
Classification: Uncertain significance for Retinitis pigmentosa 71; Short-rib thoracic dysplasia 10 with or without polydactyly. Last evaluated: 2024-04-25. Review status: criteria provided, single submitter. Criteria: Invitae Variant Classification Sherloc (09022015). Collection method: clinical testing. Allele origin: germline.
Comment: This sequence change replaces arginine, which is basic and polar, with tryptophan, which is neutral and slightly polar, at codon 300 of the IFT172 protein (p.Arg300Trp). The frequency data for this variant in the population databases is considered unreliable, as metrics indicate poor data quality at this position in the gnomAD database. This variant has not been reported in the literature in individuals affected with IFT172-related conditions. Advanced modeling of protein sequence and biophysical properties (such as structural, functional, and spatial information, amino acid conservation, physicochemical variation, residue mobility, and thermodynamic stability) performed at Invitae indicates that this missense variant is expected to disrupt IFT172 protein function with a positive predictive value of 80%. In summary, the available evidence is currently insufficient to determine the role of this variant in disease. Therefore, it has been classified as a Variant of Uncertain Significance.

Institute of Human Genetics, Univ. Regensburg, Univ. Regensburg
Classification: Uncertain significance for Retinal dystrophy. Last evaluated: 2017-01-01. Review status: no assertion criteria provided. Criteria: ACMG Guidelines, 2015. Collection method: clinical testing. Allele origin: germline. Affected: yes. Not counted in ClinVar's aggregate classification.

NM_015662.3(IFT172):c.898C>T (p.Arg300Trp)

Gene: IFT172 (intraflagellar transport 172; minus strand). Cytogenetic location: 2p23.3.
Variant type: single nucleotide variant.
Coding change: c.898C>T on transcript NM_015662.3 (MANE Select); coding-DNA position 898, C replaced by T.
Protein change: p.Arg300Trp; replaces arginine 300 with tryptophan.
Molecular consequence: missense variant.
Genome position (GRCh38, 1-based): chr2:27,480,037, G>A on the plus strand (C>T on the coding strand, the complement: IFT172 is on the minus strand). VCF-style: chr2-27480037-G-A. GRCh37 (hg19) VCF-style: chr2-27702904-G-A.
Other names: c.898C>T (NM_015662.2, NM_015662.1); c.898C>T, p.Arg300Trp (NM_001410739.1); short protein forms R300W.
Identifiers: ClinVar variation 3249860 (VCV003249860.4).